The following is an entry in ClinVar:

ClinVar aggregate classification (germline): Uncertain significance. Review status: criteria provided, multiple submitters, no conflicts (2 of 4 stars). 2 submissions from 2 submitters: Uncertain significance (2). Last evaluated 2026-09-11.

Conditions:
Neuroblastoma, susceptibility to, 3. Also called: ALK-Related Neuroblastic Tumor Susceptibility. Identifiers: Orphanet 635, MedGen C2751681, MONDO:0013083, OMIM 613014.
Hereditary cancer-predisposing syndrome. Also called: Neoplastic Syndromes, Hereditary; Hereditary Cancer Syndrome; Tumor predisposition; Hereditary neoplastic syndrome. Identifiers: Orphanet 140162, MedGen C0027672, MeSH D009386, MONDO:0015356.

Submissions (2):

Ambry Genetics
Classification: Uncertain significance for Hereditary cancer-predisposing syndrome. Last evaluated: 2026-09-11. Review status: criteria provided, single submitter. Criteria: Ambry Variant Classification Scheme 2023. Collection method: clinical testing. Allele origin: germline.
Comment: The p.G103E variant (also known as c.308G>A), located in coding exon 1 of the ALK gene, results from a G to A substitution at nucleotide position 308. The glycine at codon 103 is replaced by glutamic acid, an amino acid with similar properties. This amino acid position is not well conserved in available vertebrate species. In addition, the in silico prediction for this alteration is inconclusive. Based on the available evidence, the clinical significance of this variant remains unclear.

Labcorp Genetics (formerly Invitae), Labcorp
Classification: Uncertain significance for Neuroblastoma, susceptibility to, 3. Last evaluated: 2025-04-13. Review status: criteria provided, single submitter. Criteria: Invitae Variant Classification Sherloc (09022015). Collection method: clinical testing. Allele origin: germline.
Comment: This sequence change replaces glycine, which is neutral and non-polar, with glutamic acid, which is acidic and polar, at codon 103 of the ALK protein (p.Gly103Glu). This variant is not present in population databases (gnomAD no frequency). This variant has not been reported in the literature in individuals affected with ALK-related conditions. ClinVar contains an entry for this variant (Variation ID: 955712). An algorithm developed to predict the effect of missense changes on protein structure and function (PolyPhen-2) suggests that this variant is likely to be tolerated. In summary, the available evidence is currently insufficient to determine the role of this variant in disease. Therefore, it has been classified as a Variant of Uncertain Significance.

NM_004304.5(ALK):c.308G>A (p.Gly103Glu)

Gene: ALK (ALK receptor tyrosine kinase; minus strand). Cytogenetic location: 2p23.1.
Variant type: single nucleotide variant.
Coding change: c.308G>A on transcript NM_004304.5 (MANE Select); coding-DNA position 308, G replaced by A.
Protein change: p.Gly103Glu; replaces glycine 103 with glutamic acid.
Molecular consequence: missense variant.
Genome position (GRCh38, 1-based): chr2:29,920,352, C>T on the plus strand (G>A on the coding strand, the complement: ALK is on the minus strand). VCF-style: chr2-29920352-C-T. GRCh37 (hg19) VCF-style: chr2-30143218-C-T.
Other names: short protein forms G103E.
Identifiers: ClinVar variation 955712 (VCV000955712.10), dbSNP rs1667960211, ClinGen allele CA346590289.